The following is an entry in ClinVar:

ClinVar aggregate classification (germline): Uncertain significance (1 of 4 stars; one submission).

Conditions:
Inborn genetic diseases. Identifiers: MedGen C0950123, MeSH D030342.

gnomAD v4.1: 1 of 1,591,164 alleles (0.000063%); highest among the groups gnomAD compares: Non-Finnish European, 0.000085%; no homozygotes.

Submission:

Ambry Genetics
Classification: Uncertain significance for Inborn genetic diseases. Last evaluated: 2025-04-19. Review status: criteria provided, single submitter. Criteria: Ambry Variant Classification Scheme 2023. Collection method: clinical testing. Allele origin: germline.
Comment: The p.L41R variant (also known as c.122T>G), located in coding exon 3 of the RECQL4 gene, results from a T to G substitution at nucleotide position 122. The leucine at codon 41 is replaced by arginine, an amino acid with dissimilar properties. This amino acid position is conserved. In addition, the in silico prediction for this alteration is inconclusive. Based on the available evidence, the clinical significance of this variant remains unclear.

NM_004260.4(RECQL4):c.122T>G (p.Leu41Arg)

Genes: RECQL4 (RecQ like helicase 4; minus strand), LOC130001411 (ATAC-STARR-seq lymphoblastoid silent region 19699; plus strand). Cytogenetic location: 8q24.3.
Variant type: single nucleotide variant.
Coding change: c.122T>G on transcript NM_004260.4 (MANE Select); coding-DNA position 122, T replaced by G.
Protein change: p.Leu41Arg; replaces leucine 41 with arginine.
Molecular consequence: missense variant. On other transcripts: 5 prime UTR variant (16), non-coding transcript variant (3), intron variant (2).
Genome position (GRCh38, 1-based): chr8:144,517,505, A>C on the plus strand (T>G on the coding strand, the complement: RECQL4 is on the minus strand). VCF-style: chr8-144517505-A-C. GRCh37 (hg19) VCF-style: chr8-145742889-A-C.
Other names: c.122T>G, p.Leu41Arg (NM_001413017.1, NM_001413018.1, NM_001413019.1 and 5 more transcripts); c.-599T>G (NM_001413021.1); c.-950T>G (NM_001413022.1, NM_001413023.1, NM_001413037.1 and 2 more transcripts); c.-847T>G (NM_001413024.1, NM_001413035.1); c.-1012T>G (NM_001413027.1, NM_001413030.1, NM_001413031.1 and 1 more transcripts); c.-675T>G (NM_001413028.1); c.-909T>G (NM_001413032.1); c.-854T>G (NM_001413034.1); and 3 more; short protein forms L41R.
Identifiers: ClinVar variation 3944291 (VCV003944291.1).